The following is an entry in ClinVar:

NM_001384125.1(BLTP1):c.11513+1G>C

Gene: BLTP1 (bridge-like lipid transfer protein family member 1; plus strand). Cytogenetic location: 4q27.
Variant type: single nucleotide variant.
Coding change: c.11513+1G>C on transcript NM_001384125.1 (MANE Select); the canonical splice donor site of the intron after coding-DNA position 11513, G replaced by C.
Molecular consequence: splice donor variant.
Genome position (GRCh38, 1-based): chr4:122,328,358, G>C. VCF-style: chr4-122328358-G-C. GRCh37 (hg19) VCF-style: chr4-123249513-G-C.
Other names: c.11249+1G>C (NM_015312.4).
Identifiers: ClinVar variation 2631691 (VCV002631691.1), dbSNP rs779799402, ClinGen allele CA104780691.
Genomic context (GRCh38, chr4:122,328,358, plus strand): 5'-GAAGGATGAAAAAGATGAAGACCATGAGAGGGAAAGGTTTTATATTTACAGGAAACCCTC[G>C]TGAGTAACCTTATTTTAAGATCATAATGTAGTATTTCAGAATCTAGAAATGAGCACAAAA-3'

ClinVar aggregate classification (germline): Likely pathogenic (1 of 4 stars; one submission).

Conditions:
BLTP1-related disorder. Also called: BLTP1-related condition.

Allele frequency attached by ClinVar (database versions not stated): TOPMed below 0.00001; gnomAD 0.00001.
gnomAD v4.1: 1 of 1,602,564 alleles (0.000062%); highest among the groups gnomAD compares: African/African-American, 0.0013%; no homozygotes.

Submission:

PreventionGenetics, part of Exact Sciences
Classification: Likely pathogenic for BLTP1-related condition. Last evaluated: 2023-09-07. Review status: criteria provided, single submitter. Criteria: ACMG Guidelines, 2015. Collection method: clinical testing. Allele origin: germline.
Comment: The BLTP1 c.11249+1G>C variant is predicted to disrupt the GT donor site and interfere with normal splicing. To our knowledge, this variant has not been reported in the literature. This variant is reported in 0.011% of alleles in individuals of African descent in gnomAD. Variants that disrupt the consensus splice donor site in BLTP1 are expected to be pathogenic. This variant is interpreted as likely pathogenic.